The following is an entry in ClinVar:

NM_022114.4(PRDM16):c.3376_3396del (p.Leu1126_Asp1132del)

Gene: PRDM16 (PR/SET domain 16; plus strand). Cytogenetic location: 1p36.32.
Variant type: Deletion.
Coding change: c.3376_3396del on transcript NM_022114.4 (MANE Select); coding-DNA positions 3376 to 3396, 21 bases deleted (CTGGAGGAGGACGATGAGGAC).
Protein change: p.Leu1126_Asp1132del.
Molecular consequence: inframe deletion.
Genome position (GRCh38, 1-based): chr1:3,430,963-3,430,983, CTGGAGGAGGACGATGAGGAC deleted; deleting any 21 consecutive bases within chr1:3,430,960-3,430,983 gives the same sequence; the c. name uses the placement nearest the transcript's 3' end. VCF-style (leftmost placement, unchanged base first): chr1-3430959-TGACCTGGAGGAGGACGATGAG-T. GRCh37 (hg19) VCF-style: chr1-3347523-TGACCTGGAGGAGGACGATGAG-T.
Other names: c.3376_3396del, p.Leu1126_Asp1132del (NM_199454.3).
Identifiers: ClinVar variation 3366983 (VCV003366983.1).

ClinVar aggregate classification (germline): Uncertain significance (1 of 4 stars; one submission).

Conditions:
Left ventricular noncompaction 8 (LVNC8). Identifiers: Orphanet 154, Orphanet 54260, MedGen C3809288, MONDO:0014152, OMIM 615373.

Submission:

Institute of Immunology and Genetics Kaiserslautern
Classification: Uncertain significance for Left ventricular noncompaction 8. Last evaluated: 2022-07-05. Review status: criteria provided, single submitter. Criteria: ACMG Guidelines, 2015. Collection method: clinical testing. Allele origin: germline. Affected: yes.
Comment: ACMG Criteria: PM2_P, BP3; Variant was found in heterozygous state.